The following is an entry in ClinVar:

ClinVar aggregate classification (germline): Uncertain significance. Review status: criteria provided, multiple submitters, no conflicts (2 of 4 stars). 2 submissions from 2 submitters: Uncertain significance (2). Last evaluated 2025-07-28.

Conditions:
Familial sleep-related hypermotor epilepsy. Also called: Autosomal Dominant Sleep-Related Hypermotor (Hyperkinetic) Epilepsy. Identifiers: Orphanet 98784, MedGen C3696898, MONDO:0000030.

Allele frequency attached by ClinVar (database versions not stated): ExAC 0.00002; gnomAD 0.00002; gnomAD exomes 0.00002 and 0.00003; TOPMed 0.00002.
gnomAD v4.1: 48 of 1,613,996 alleles (0.003%); highest among the groups gnomAD compares: Non-Finnish European, 0.004%; no homozygotes.

Submissions (2):

Labcorp Genetics (formerly Invitae), Labcorp
Classification: Uncertain significance for Familial sleep-related hypermotor epilepsy. Last evaluated: 2025-07-28. Review status: criteria provided, single submitter. Criteria: Invitae Variant Classification Sherloc (09022015). Collection method: clinical testing. Allele origin: germline.
Comment: This sequence change replaces valine, which is neutral and non-polar, with alanine, which is neutral and non-polar, at codon 111 of the PRIMA1 protein (p.Val111Ala). This variant is present in population databases (rs145843133, gnomAD 0.006%). This variant has not been reported in the literature in individuals affected with PRIMA1-related conditions. ClinVar contains an entry for this variant (Variation ID: 542926). An algorithm developed to predict the effect of missense changes on protein structure and function outputs the following: PolyPhen-2: "Benign". The alanine amino acid residue is found in multiple mammalian species, which suggests that this missense change does not adversely affect protein function. In summary, the available evidence is currently insufficient to determine the role of this variant in disease. Therefore, it has been classified as a Variant of Uncertain Significance.

Ambry Genetics
Classification: Uncertain significance. Last evaluated: 2021-08-06. Review status: criteria provided, single submitter. Criteria: Ambry Variant Classification Scheme 2023. Collection method: clinical testing. Allele origin: germline.

NM_178013.4(PRIMA1):c.332T>C (p.Val111Ala)

Gene: PRIMA1 (proline rich membrane anchor 1; minus strand). Cytogenetic location: 14q32.12.
Variant type: single nucleotide variant.
Coding change: c.332T>C on transcript NM_178013.4 (MANE Select); coding-DNA position 332, T replaced by C.
Protein change: p.Val111Ala; replaces valine 111 with alanine.
Molecular consequence: missense variant.
Genome position (GRCh38, 1-based): chr14:93,737,268, A>G on the plus strand (T>C on the coding strand, the complement: PRIMA1 is on the minus strand). VCF-style: chr14-93737268-A-G. GRCh37 (hg19) VCF-style: chr14-94203614-A-G.
Other names: short protein forms V111A.
Identifiers: ClinVar variation 542926 (VCV000542926.12), dbSNP rs145843133, ClinGen allele CA7323042.
Genomic context (GRCh38, chr14:93,737,268, plus strand): 5'-GCTTGAAGCTGGGTGCAGTGAGTGAGCACTCACCTTTTTATGGCTTTGTAGCAAATGATG[A>G]CAAGCACAGTCAGAAACACCAGGGAGGCACAGCATACGGCAATGATGATCACCAGCCCCG-3'
Protein context (NP_821092.1, residues 101-121): CASLVFLTVL[Val111Ala]IICYKAIKRK